The following is an entry in ClinVar:

NM_017837.4(PIGV):c.1084A>C (p.Lys362Gln)

Gene: PIGV (phosphatidylinositol glycan anchor biosynthesis class V; plus strand). Cytogenetic location: 1p36.11.
Variant type: single nucleotide variant.
Coding change: c.1084A>C on transcript NM_017837.4 (MANE Select); coding-DNA position 1084, A replaced by C.
Protein change: p.Lys362Gln; replaces lysine 362 with glutamine.
Molecular consequence: missense variant. On other transcripts: non-coding transcript variant (1), intron variant (1).
Genome position (GRCh38, 1-based): chr1:26,795,118, A>C. VCF-style: chr1-26795118-A-C. GRCh37 (hg19) VCF-style: chr1-27121609-A-C.
Other names: c.1084A>C, p.Lys362Gln (NM_001202554.2, NM_001374478.1, NM_001374480.1 and 2 more transcripts); c.703A>C, p.Lys235Gln (NM_001374483.1); c.457A>C, p.Lys153Gln (NM_001374484.1, NM_001374485.1); c.79-2445A>C (NM_001374486.1); short protein forms K362Q, K153Q, K235Q.
Identifiers: ClinVar variation 429742 (VCV000429742.8), dbSNP rs376257064, ClinGen allele CA708162.
Genomic context (GRCh38, chr1:26,795,118, plus strand): 5'-ACTTGGACATACGTGACCACTCACCCTTGGCTCTGCCTTACACTTGGGCTGCAAAGGAGC[A>C]AGAACAATAAGACCCTAGAGAAGCCCGATCTTGGATTCCTCAGTCCTCAGGTGTTTGTGT-3'
Protein context (NP_060307.2, residues 352-372): LCLTLGLQRS[Lys362Gln]NNKTLEKPDL

ClinVar aggregate classification (germline): Conflicting classifications of pathogenicity. Review status: criteria provided, conflicting classifications (1 of 4 stars). 3 submissions from 3 submitters: Uncertain significance (2); Likely benign (1). Last evaluated 2025-09-05.

Conditions:
Inborn genetic diseases. Identifiers: MedGen C0950123, MeSH D030342.

Allele frequency attached by ClinVar (database versions not stated): ExAC 0.00004; gnomAD 0.00007; ESP Exome Variant Server 0.00008; TOPMed 0.00010.
gnomAD v4.1: 32 of 1,614,050 alleles (0.002%); highest among the groups gnomAD compares: African/African-American, 0.027%; no homozygotes.

Submissions (3):

Ambry Genetics
Classification: Uncertain significance for Inborn genetic diseases. Last evaluated: 2025-09-05. Review status: criteria provided, single submitter. Criteria: Ambry Variant Classification Scheme 2023. Collection method: clinical testing. Allele origin: germline.

GeneDx
Classification: Likely benign. Last evaluated: 2023-06-07. Review status: criteria provided, single submitter. Criteria: GeneDx Variant Classification Process June 2021. Collection method: clinical testing. Allele origin: germline. Affected: yes.
Comment: See Variant Classification Assertion Criteria.

Labcorp Genetics (formerly Invitae), Labcorp
Classification: Uncertain significance. Last evaluated: 2022-08-12. Review status: criteria provided, single submitter. Criteria: Invitae Variant Classification Sherloc (09022015). Collection method: clinical testing. Allele origin: germline.
Comment: This sequence change replaces lysine, which is basic and polar, with glutamine, which is neutral and polar, at codon 362 of the PIGV protein (p.Lys362Gln). This variant is present in population databases (rs376257064, gnomAD 0.03%). This variant has not been reported in the literature in individuals affected with PIGV-related conditions. ClinVar contains an entry for this variant (Variation ID: 429742). Algorithms developed to predict the effect of missense changes on protein structure and function (SIFT, PolyPhen-2, Align-GVGD) all suggest that this variant is likely to be tolerated. In summary, the available evidence is currently insufficient to determine the role of this variant in disease. Therefore, it has been classified as a Variant of Uncertain Significance.